The following is an entry in ClinVar:

NM_001113378.2(FANCI):c.2440C>T (p.Leu814Phe)

Gene: FANCI (FA complementation group I; plus strand). Cytogenetic location: 15q26.1.
Variant type: single nucleotide variant.
Coding change: c.2440C>T on transcript NM_001113378.2 (MANE Select); coding-DNA position 2440, C replaced by T.
Protein change: p.Leu814Phe; replaces leucine 814 with phenylalanine.
Molecular consequence: missense variant.
Genome position (GRCh38, 1-based): chr15:89,293,981, C>T. VCF-style: chr15-89293981-C-T. GRCh37 (hg19) VCF-style: chr15-89837212-C-T.
Other names: c.2161C>T, p.Leu721Phe (NM_001376910.1); c.2440C>T, p.Leu814Phe (NM_001376911.1, NM_018193.3); short protein forms L814F, L721F.
Identifiers: ClinVar variation 4741445 (VCV004741445.1).

ClinVar aggregate classification (germline): Uncertain significance (1 of 4 stars; one submission).

Conditions:
Fanconi anemia (FA). Also called: Fanconi's anemia. Identifiers: Orphanet 84, MedGen C0015625, MeSH D005199, MONDO:0019391.

Submission:

Labcorp Genetics (formerly Invitae), Labcorp
Classification: Uncertain significance for Fanconi anemia. Last evaluated: 2025-11-25. Review status: criteria provided, single submitter. Criteria: Invitae Variant Classification Sherloc (09022015). Collection method: clinical testing. Allele origin: germline.
Comment: This sequence change replaces leucine, which is neutral and non-polar, with phenylalanine, which is neutral and non-polar, at codon 814 of the FANCI protein (p.Leu814Phe). This variant is not present in population databases (gnomAD no frequency). This variant has not been reported in the literature in individuals affected with FANCI-related conditions. Invitae Evidence Modeling of protein sequence and biophysical properties (such as structural, functional, and spatial information, amino acid conservation, physicochemical variation, residue mobility, and thermodynamic stability) indicates that this missense variant is expected to disrupt FANCI protein function with a positive predictive value of 80%. In summary, the available evidence is currently insufficient to determine the role of this variant in disease. Therefore, it has been classified as a Variant of Uncertain Significance.